The following is an entry in ClinVar:

NM_206933.4(USH2A):c.3026C>A (p.Ala1009Asp)

Genes: USH2A (usherin; minus strand), USH2A-AS1 (USH2A antisense RNA 1; plus strand). Cytogenetic location: 1q41.
Variant type: single nucleotide variant.
Coding change: c.3026C>A on transcript NM_206933.4 (MANE Select); coding-DNA position 3026, C replaced by A.
Protein change: p.Ala1009Asp; replaces alanine 1009 with aspartic acid.
Molecular consequence: missense variant.
Genome position (GRCh38, 1-based): chr1:216,217,518, G>T on the plus strand (C>A on the coding strand, the complement: USH2A is on the minus strand). VCF-style: chr1-216217518-G-T. GRCh37 (hg19) VCF-style: chr1-216390860-G-T.
Other names: c.3026C>A, p.Ala1009Asp (NM_007123.6); short protein forms A1009D.
Identifiers: ClinVar variation 1050759 (VCV001050759.8), dbSNP rs150729680, ClinGen allele CA1396099.

ClinVar aggregate classification (germline): Conflicting classifications of pathogenicity. Review status: criteria provided, conflicting classifications (1 of 4 stars). 8 submissions from 7 submitters: Likely pathogenic (1); Uncertain significance (6). 1 of the submissions does not count toward it. Last evaluated 2025-11-20.

Conditions:
Retinitis pigmentosa 39 (RP39). Identifiers: Orphanet 791, MedGen C3151138, MONDO:0013436, OMIM 613809.
Retinal dystrophy. Also called: Inherited retinal dystrophy. Identifiers: Orphanet 71862, MedGen C0854723, MeSH D058499, MONDO:0019118, HP:0000556.
Usher syndrome type 2A. Also called: RETINAL DISEASE IN USHER SYNDROME TYPE IIA, MODIFIER OF; USHER SYNDROME, TYPE IIA. Identifiers: Orphanet 231178, Orphanet 886, MedGen C1848634, MONDO:0010169, OMIM 276901.
USH2A-related disorder. Also called: USH2A-related disorders; USH2A-related condition. Identifiers: MedGen CN239332.

gnomAD v4.1: 6 of 1,613,016 alleles (0.00037%); highest among the groups gnomAD compares: Non-Finnish European, 0.00042%; no homozygotes.

Submissions (8):

Myriad Genetics, Inc.
Classification: Uncertain significance for USH2A-related disorder. Last evaluated: 2025-11-20. Review status: criteria provided, single submitter. Criteria: Myriad Autosomal Dominant, Autosomal Recessive and X-Linked Classification Criteria (2023). Collection method: clinical testing. Allele origin: unknown.
Comment: NM_206933.2(USH2A):c.3026C>A(A1009D) is a missense variant classified as a variant of uncertain significance in the context of USH2A-related disorders. A1009D has been observed in cases with relevant disease (PMID: 28559085, 36110214, 39462066). Relevant functional assessments of this variant are not available in the literature. A1009D has not been observed in referenced population frequency databases. In summary, there is insufficient evidence to classify NM_206933.2(USH2A):c.3026C>A(A1009D) as pathogenic or benign. Please note: this variant was assessed in the context of healthy population screening.

Blueprint Genetics
Classification: Uncertain significance. Last evaluated: 2023-12-29. Review status: criteria provided, single submitter. Criteria: ACMG Guidelines, 2015. Collection method: clinical testing. Allele origin: germline.

Genome-Nilou Lab
Classification: Uncertain significance for Retinitis pigmentosa 39. Last evaluated: 2023-11-04. Review status: criteria provided, single submitter. Criteria: ACMG Guidelines, 2015. Collection method: clinical testing. Allele origin: germline. Affected: no.

Genome-Nilou Lab
Classification: Uncertain significance for Usher syndrome type 2A. Last evaluated: 2023-11-04. Review status: criteria provided, single submitter. Criteria: ACMG Guidelines, 2015. Collection method: clinical testing. Allele origin: germline. Affected: no.

Labcorp Genetics (formerly Invitae), Labcorp
Classification: Uncertain significance. Last evaluated: 2022-09-13. Review status: criteria provided, single submitter. Criteria: Invitae Variant Classification Sherloc (09022015). Collection method: clinical testing. Allele origin: germline.
Comment: This sequence change replaces alanine, which is neutral and non-polar, with aspartic acid, which is acidic and polar, at codon 1009 of the USH2A protein (p.Ala1009Asp). This variant is present in population databases (rs150729680, gnomAD 0.007%). This missense change has been observed in individual(s) with Usher syndrome (PMID: 28559085). ClinVar contains an entry for this variant (Variation ID: 1050759). Advanced modeling of protein sequence and biophysical properties (such as structural, functional, and spatial information, amino acid conservation, physicochemical variation, residue mobility, and thermodynamic stability) has been performed at Invitae for this missense variant, however the output from this modeling did not meet the statistical confidence thresholds required to predict the impact of this variant on USH2A protein function. In summary, the available evidence is currently insufficient to determine the role of this variant in disease. Therefore, it has been classified as a Variant of Uncertain Significance.

GeneDx
Classification: Uncertain significance. Last evaluated: 2019-08-19. Review status: criteria provided, single submitter. Criteria: GeneDx Variant Classification Process June 2021. Collection method: clinical testing. Allele origin: germline. Affected: yes.
Comment: Not observed at a significant frequency in large population cohorts (Lek et al., 2016); In silico analysis, which includes protein predictors and evolutionary conservation, supports a deleterious effect; This variant is associated with the following publications: (PMID: 28559085)

Institute of Human Genetics, Univ. Regensburg, Univ. Regensburg
Classification: Likely pathogenic for Retinal dystrophy. Last evaluated: 2017-01-01. Review status: criteria provided, single submitter. Criteria: ACMG Guidelines, 2015. Collection method: clinical testing. Allele origin: germline. Affected: yes.

Department of Pathology and Laboratory Medicine, Sinai Health System
Classification: Uncertain significance. Review status: no assertion criteria provided. Collection method: clinical testing. Allele origin: unknown. Affected: yes. Study: The Canadian Open Genetics Repository (COGR). Not counted in ClinVar's aggregate classification.
Comment: The USH2A p.Ala1009Asp variant was not identified in the literature nor was it identified in ClinVar. The variant was identified in dbSNP (ID: rs150729680) and in control databases in 1 of 31396 chromosomes at a frequency of 0.00003185 (Genome Aggregation Database March 6, 2019, v2.1.1). The variant was observed in the European (non-Finnish) population in 1 of 15426 chromosomes (freq: 0.000065), but was not observed in the African, Latino, Ashkenazi Jewish, East Asian, European (Finnish), Other, or South Asian populations. The p.Ala1009 residue is conserved in mammals but not in more distantly related organisms, and four out of five computational analyses (PolyPhen-2, SIFT, AlignGVGD, BLOSUM, MutationTaster) suggest that the variant may impact the protein; however, this information is not predictive enough to assume pathogenicity. The variant occurs outside of the splicing consensus sequence and in silico or computational prediction software programs (SpliceSiteFinder, MaxEntScan, NNSPLICE, GeneSplicer) do not predict a difference in splicing. In summary, based on the above information the clinical significance of this variant cannot be determined with certainty at this time. This variant is classified as a variant of uncertain significance.

Literature cited by the submitters: PubMed 28559085 (cited by 3 submitters); PubMed 36110214 (cited by Myriad Genetics, Inc.); PubMed 39462066 (cited by Myriad Genetics, Inc.).